The following is an entry in ClinVar:

NM_001378454.1(ALMS1):c.7903dup (p.Gln2635fs)

Gene: ALMS1 (ALMS1 centrosome and basal body associated protein; plus strand). Cytogenetic location: 2p13.1.
Variant type: Duplication.
Coding change: c.7903dup on transcript NM_001378454.1 (MANE Select); coding-DNA position 7903, one base duplicated (C; older notation c.7903dupC).
Protein change: p.Gln2635fs; shifts the reading frame from glutamine 2635.
Molecular consequence: frameshift variant.
Genome position (GRCh38, 1-based): chr2:73,489,862, C duplicated; the last of 2 consecutive C bases (chr2:73,489,861-73,489,862); duplicating either gives the same sequence. VCF-style (leftmost placement, unchanged base first): chr2-73489860-A-AC. GRCh37 (hg19) VCF-style: chr2-73716987-A-AC.
Other names: c.7905dupC (NM_015120.4); c.7906dup, p.Gln2636fs (NM_015120.4); short protein forms Q2635fs, Q2636fs.
Identifiers: ClinVar variation 4991739 (VCV004991739.1).

ClinVar aggregate classification (germline): Likely pathogenic (1 of 4 stars; one submission).

Conditions:
ALMS1-related disorder. Also called: ALMS1-related condition.

Submission:

PreventionGenetics, part of Exact Sciences
Classification: Likely pathogenic for ALMS1-related condition. Last evaluated: 2026-01-30. Review status: criteria provided, single submitter. Criteria: ACMG Guidelines, 2015. Collection method: clinical testing. Allele origin: germline.
Comment: The ALMS1 c.7905dupC variant is predicted to result in a frameshift and premature protein termination (p.Asn2636Glnfs*24). In the literature this variant has been reported using alternate nomenclature (c.7911dupC (p.Asn2638Glnfs*24), NM_015120.4). This variant has been reported in the literature in individuals with Alstrom syndrome with and without severe cardiomyopathy (Marshall et al. 2015. PubMed ID: 25846608; Dedeoglu et al. 2022. PubMed ID: 36109815). This variant has not been reported in a large population database (gnomAD), indicating this variant is rare. Frameshift variants in ALMS1 are expected to be pathogenic. This variant is interpreted as likely pathogenic.